The following is an entry in ClinVar:

ClinVar aggregate classification (germline): Pathogenic/Likely pathogenic. Review status: criteria provided, multiple submitters, no conflicts (2 of 4 stars). 3 submissions from 3 submitters: Pathogenic (1); Likely pathogenic (2). Last evaluated 2025-02-24.

Conditions:
VWF-related disorder. Also called: VWF-related disorders; VWF-related condition.
Hereditary von Willebrand disease. Identifiers: Orphanet 903, MedGen C5703318, MONDO:0019565. Inheritance: Autosomal recessive or Autosomal dominant.

Allele frequency attached by ClinVar (database versions not stated): TOPMed below 0.00001; ExAC 0.00002; gnomAD exomes 0.00002 and 0.00008.
gnomAD v4.1: 118 of 1,613,936 alleles (0.0073%); highest among the groups gnomAD compares: Non-Finnish European, 0.0099%; no homozygotes.

Submissions (3):

PreventionGenetics, part of Exact Sciences
Classification: Pathogenic for VWF-related condition. Last evaluated: 2025-02-24. Review status: criteria provided, single submitter. Criteria: ACMG Guidelines, 2015. Collection method: clinical testing. Allele origin: germline.
Comment: The VWF c.4378C>T variant is predicted to result in the amino acid substitution p.Leu1460Phe. This variant falls within the A1 domain of VWF and has been reported in individuals with Von Willebrand disease 2 (see for example: Chegeni et al. 2010. PubMed ID: 21094983; Graf et al. 2014. PubMed ID: 24750681; Hamilton et al. 2011. PubMed ID: 21301777). Functional analysis showed that this variant leads to enhanced VWF-platelet binding (Graf et al. 2014. PubMed ID: 24750681; Veyradier et al. 2016. PubMed ID: 26986123). This variant is reported in 0.0035% of alleles in individuals of European (Non-Finnish) descent in gnomAD. Of note, additional variants impacting the same amino acid (p.Leu1460Val and p.Leu1460Pro) have also been reported in patients with Von Willebrand disease (Ginsburg. 1993. PubMed ID: 8456431, variant described as L697V; Penel-Page et al. 2017. PubMed ID: 28436749). Based on this evidence, we interpret the c.4378C>T (p.Leu1460Phe) variant as pathogenic.

North West Genomic Laboratory Hub, Manchester University NHS Foundation Trust
Classification: Likely pathogenic for von Willebrand disease. Last evaluated: 2024-03-19. Review status: criteria provided, single submitter. Criteria: ACGS Best Practice Guidelines for Variant Classification in Rare Disease 2020. Collection method: clinical testing. Allele origin: germline. Affected: yes.
Comment: PM5_Mod PP3_Supp PM2_Mod PS4_Mod

Quest Diagnostics Nichols Institute San Juan Capistrano
Classification: Likely pathogenic. Last evaluated: 2020-04-16. Review status: criteria provided, single submitter. Criteria: Quest Diagnostics criteria. Collection method: clinical testing. Allele origin: unknown.
Comment: The best available variant frequency is uninformative because it is below the disease allele frequency. Found in at least one patient with expected phenotype for this gene. Predicted to have a damaging effect on the protein. Assessment of experimental evidence suggests this variant results in abnormal protein function.

Literature cited by the submitters: PubMed 26986123 (cited by Quest Diagnostics Nichols Institute San Juan Capistrano); PubMed 21094983 (cited by Quest Diagnostics Nichols Institute San Juan Capistrano); PubMed 24750681 (cited by Quest Diagnostics Nichols Institute San Juan Capistrano).

NM_000552.5(VWF):c.4378C>T (p.Leu1460Phe)

Gene: VWF (von Willebrand factor; minus strand). Cytogenetic location: 12p13.31.
Variant type: single nucleotide variant.
Coding change: c.4378C>T on transcript NM_000552.5 (MANE Select); coding-DNA position 4378, C replaced by T.
Protein change: p.Leu1460Phe; replaces leucine 1460 with phenylalanine.
Molecular consequence: missense variant.
Genome position (GRCh38, 1-based): chr12:6,019,040, G>A on the plus strand (C>T on the coding strand, the complement: VWF is on the minus strand). VCF-style: chr12-6019040-G-A. GRCh37 (hg19) VCF-style: chr12-6128206-G-A.
Other names: short protein forms L1460F.
Identifiers: ClinVar variation 993159 (VCV000993159.3), dbSNP rs61750088, ClinGen allele CA6402543.